The following is an entry in ClinVar:

ClinVar aggregate classification (germline): Uncertain significance (1 of 4 stars; one submission).

Allele frequency attached by ClinVar (database versions not stated): gnomAD exomes below 0.00001.
gnomAD v4.1: 1 of 1,590,588 alleles (0.000063%); highest among the groups gnomAD compares: Non-Finnish European, 0.000085%; no homozygotes.

Submission:

Ambry Genetics
Classification: Uncertain significance. Last evaluated: 2025-10-25. Review status: criteria provided, single submitter. Criteria: Ambry Variant Classification Scheme 2023. Collection method: clinical testing. Allele origin: germline.
Comment: The p.M615T variant (also known as c.1844T>C), located in coding exon 14 of the RECQL gene, results from a T to C substitution at nucleotide position 1844. The methionine at codon 615 is replaced by threonine, an amino acid with similar properties. This amino acid position is conserved. In addition, this alteration is predicted to be tolerated by in silico analysis. Since supporting evidence is limited at this time, the clinical significance of this alteration remains unclear.

NM_002907.4(RECQL):c.1844T>C (p.Met615Thr)

Genes: PYROXD1 (pyridine nucleotide-disulphide oxidoreductase domain 1; plus strand), RECQL (RecQ like helicase; minus strand). Cytogenetic location: 12p12.1.
Variant type: single nucleotide variant.
Coding change: c.1844T>C on transcript NM_002907.4 (MANE Select); coding-DNA position 1844, T replaced by C.
Protein change: p.Met615Thr; replaces methionine 615 with threonine.
Molecular consequence: missense variant. On other transcripts: 3 prime UTR variant (3).
Genome position (GRCh38, 1-based): chr12:21,470,300, A>G on the plus strand (T>C on the coding strand, the complement: RECQL is on the minus strand). VCF-style: chr12-21470300-A-G. GRCh37 (hg19) VCF-style: chr12-21623234-A-G.
Other names: c.*1546A>G (NM_024854.5, NM_001350912.2, NM_001350913.2); c.1844T>C, p.Met615Thr (NM_032941.3); short protein forms M615T.
Identifiers: ClinVar variation 1781216 (VCV001781216.3), dbSNP rs2540306196, ClinGen allele CA384113888.